The following is an entry in ClinVar:

ClinVar aggregate classification (germline): Conflicting classifications of pathogenicity. Review status: criteria provided, conflicting classifications (1 of 4 stars). 6 submissions from 6 submitters: Uncertain significance (5); Likely benign (1). Last evaluated 2026-10-01.

Conditions:
Hereditary cancer-predisposing syndrome. Also called: Hereditary neoplastic syndrome; Hereditary Cancer Syndrome; Neoplastic Syndromes, Hereditary; Tumor predisposition. Identifiers: Orphanet 140162, MedGen C0027672, MeSH D009386, MONDO:0015356.
Colorectal cancer, susceptibility to, 12 (CRCS12). Also called: COLORECTAL CANCER, SUSCEPTIBILITY TO, ON CHROMOSOME 12q24. Identifiers: Orphanet 220460, MedGen C3554460, MONDO:0014038, OMIM 615083.

Allele frequency attached by ClinVar (database versions not stated): gnomAD exomes 0.00001; TOPMed 0.00006; gnomAD 0.00009.
gnomAD v4.1: 19 of 1,613,552 alleles (0.0012%); highest among the groups gnomAD compares: African/African-American, 0.013%; no homozygotes.

Submissions (6):

St. Jude Molecular Pathology, St. Jude Children's Research Hospital
Classification: Uncertain significance for Colorectal cancer, susceptibility to, 12. Last evaluated: 2026-10-01. Review status: criteria provided, single submitter. Criteria: St. Jude Assertion Criteria 2020. Collection method: clinical testing. Allele origin: germline.
Comment: The POLE c.4892G>A p.(Arg1631His) missense change has a maximum subpopulation frequency of 0.005% in gnomAD v2.1.1. The in silico tool REVEL predicts a benign effect on protein function, but to our knowledge this prediction has not been confirmed by functional studies. To our knowledge, this variant has not been reported in the literature in individuals with POLE-related disease. In summary, the evidence currently available is insufficient to determine the clinical significance of this variant. It has therefore been classified as of uncertain significance.

Labcorp Genetics (formerly Invitae), Labcorp
Classification: Uncertain significance. Last evaluated: 2026-01-25. Review status: criteria provided, single submitter. Criteria: Invitae Variant Classification Sherloc (09022015). Collection method: clinical testing. Allele origin: germline.
Comment: This sequence change replaces arginine, which is basic and polar, with histidine, which is basic and polar, at codon 1631 of the POLE protein (p.Arg1631His). This variant is present in population databases (rs775590365, gnomAD 0.005%). This variant has not been reported in the literature in individuals affected with POLE-related conditions. ClinVar contains an entry for this variant (Variation ID: 240543). Invitae Evidence Modeling of protein sequence and biophysical properties (such as structural, functional, and spatial information, amino acid conservation, physicochemical variation, residue mobility, and thermodynamic stability) indicates that this missense variant is not expected to disrupt POLE protein function with a negative predictive value of 80%. In summary, the available evidence is currently insufficient to determine the role of this variant in disease. Therefore, it has been classified as a Variant of Uncertain Significance.

GeneDx
Classification: Uncertain significance. Last evaluated: 2025-05-22. Review status: criteria provided, single submitter. Criteria: GeneDx Variant Classification Process June 2021. Collection method: clinical testing. Allele origin: germline. Affected: yes.
Comment: Not observed at significant frequency in large population cohorts (gnomAD); In silico analysis supports that this missense variant has a deleterious effect on protein structure/function; Has not been previously published as pathogenic or benign to our knowledge; This variant is associated with the following publications: (PMID: 29056344)

Ambry Genetics
Classification: Likely benign for Hereditary cancer-predisposing syndrome. Last evaluated: 2025-01-17. Review status: criteria provided, single submitter. Criteria: Ambry Variant Classification Scheme 2023. Collection method: clinical testing. Allele origin: germline.

Sema4
Classification: Uncertain significance for Hereditary cancer-predisposing syndrome. Last evaluated: 2021-04-10. Review status: criteria provided, single submitter. Criteria: Sema4 Curation Guidelines. Collection method: curation. Allele origin: germline.
Comment: The POLE c.4892G>A (p.R1631H) variant has not been reported in the literature to our knowledge. It was observed in 1/19954 chromosomes of the East Asian subpopulation in the large and broad cohorts of the Genome Aggregation Database (PMID: 32461654). The variant has been reported in ClinVar (Variation ID: 240543). In silico tools suggest the impact of the variant on protein function is inconclusive, though these predictions have not been confirmed by functional studies. The evidence is insufficient to meet ACMG/AMP criteria for classifying the variant as benign or pathogenic. Thus, the clinical significance of this variant is currently uncertain.

Quest Diagnostics Nichols Institute San Juan Capistrano
Classification: Uncertain significance. Last evaluated: 2020-03-05. Review status: criteria provided, single submitter. Criteria: Quest Diagnostics criteria. Collection method: clinical testing. Allele origin: unknown.

NM_006231.4(POLE):c.4892G>A (p.Arg1631His)

Gene: POLE (DNA polymerase epsilon, catalytic subunit; minus strand). Cytogenetic location: 12q24.33.
Variant type: single nucleotide variant.
Coding change: c.4892G>A on transcript NM_006231.4 (MANE Select); coding-DNA position 4892, G replaced by A.
Protein change: p.Arg1631His; replaces arginine 1631 with histidine.
Molecular consequence: missense variant.
Genome position (GRCh38, 1-based): chr12:132,642,566, C>T on the plus strand (G>A on the coding strand, the complement: POLE is on the minus strand). VCF-style: chr12-132642566-C-T. GRCh37 (hg19) VCF-style: chr12-133219152-C-T.
Other names: short protein forms R1631H.
Identifiers: ClinVar variation 240543 (VCV000240543.20), dbSNP rs775590365, ClinGen allele CA6892686.